The following is an entry in ClinVar:

ClinVar aggregate classification (germline): Pathogenic. Review status: criteria provided, multiple submitters, no conflicts (2 of 4 stars). 4 submissions from 4 submitters: Pathogenic (3). 1 of the submissions does not count toward it. Last evaluated 2024-04-18.

Conditions:
Usher syndrome type 2C. Also called: Usher syndrome, type 2B; USHER SYNDROME, TYPE IIC. Identifiers: Orphanet 231178, Orphanet 886, MedGen C2931213, MONDO:0011558, OMIM 605472.
ADGRV1-related disorder. Also called: ADGRV1-related disorders; ADGRV1-related condition.
Usher syndrome type 2. Also called: Usher Syndrome Type II. Identifiers: Orphanet 231178, MedGen C0339534, MONDO:0016484.

Allele frequency attached by ClinVar (database versions not stated): TOPMed below 0.00001; ExAC 0.00002; gnomAD exomes 0.00002.
gnomAD v4.1: 10 of 1,612,410 alleles (0.00062%); highest among the groups gnomAD compares: Middle Eastern, 0.017%; no homozygotes.

Submissions (4):

Laboratory of Prof. Karen Avraham, Tel Aviv University
Classification: Pathogenic for Usher syndrome type 2C. Last evaluated: 2024-04-18. Review status: criteria provided, single submitter. Criteria: ACMG Guidelines, 2015. Collection method: research. Allele origin: germline. Affected: yes. Observed: 1 variant allele.
Comment: According to Deafness Variation Database

Autosomal recessive; sensoineural hearng loss, sloaping audiogram

Labcorp Genetics (formerly Invitae), Labcorp
Classification: Pathogenic. Last evaluated: 2024-02-13. Review status: criteria provided, single submitter. Criteria: Invitae Variant Classification Sherloc (09022015). Collection method: clinical testing. Allele origin: germline.
Comment: This sequence change creates a premature translational stop signal (p.Arg3227*) in the ADGRV1 gene. It is expected to result in an absent or disrupted protein product. Loss-of-function variants in ADGRV1 are known to be pathogenic (PMID: 19357117, 22135276, 22147658, 26226137, 30718709, 31047384, 32467589). This variant is present in population databases (rs267600727, gnomAD 0.01%). This premature translational stop signal has been observed in individual(s) with Usher syndrome and epilepsy with febrile seizures (PMID: 29924869, 31456290). ClinVar contains an entry for this variant (Variation ID: 76051). Algorithms developed to predict the effect of sequence changes on RNA splicing suggest that this variant may disrupt the consensus splice site. For these reasons, this variant has been classified as Pathogenic.

Blueprint Genetics
Classification: Pathogenic for ADGRV1-related disorders. Last evaluated: 2023-09-25. Review status: criteria provided, single submitter. Criteria: ACMG Guidelines, 2015. Collection method: clinical testing. Allele origin: germline. Affected: yes. Observed: 5 variant alleles.

Sharon lab, Hadassah-Hebrew University Medical Center
Classification: Pathogenic for Usher syndrome type 2. Last evaluated: 2019-06-23. Review status: no assertion criteria provided. Collection method: research. Allele origin: inherited. Affected: yes. Not counted in ClinVar's aggregate classification.

Literature cited by the submitters: PubMed 19357117 (cited by Labcorp Genetics (formerly Invitae), Labcorp); PubMed 22135276 (cited by Labcorp Genetics (formerly Invitae), Labcorp); PubMed 22147658 (cited by Labcorp Genetics (formerly Invitae), Labcorp); PubMed 26226137 (cited by Labcorp Genetics (formerly Invitae), Labcorp); PubMed 30718709 (cited by Labcorp Genetics (formerly Invitae), Labcorp); PubMed 31047384 (cited by Labcorp Genetics (formerly Invitae), Labcorp); PubMed 32467589 (cited by Labcorp Genetics (formerly Invitae), Labcorp); PubMed 29924869 (cited by Labcorp Genetics (formerly Invitae), Labcorp); PubMed 31456290 (cited by Labcorp Genetics (formerly Invitae), Labcorp).

NM_032119.4(ADGRV1):c.9679C>T (p.Arg3227Ter)

Gene: ADGRV1 (adhesion G protein-coupled receptor V1; plus strand). Cytogenetic location: 5q14.3.
Variant type: single nucleotide variant.
Coding change: c.9679C>T on transcript NM_032119.4 (MANE Select); coding-DNA position 9679, C replaced by T.
Protein change: p.Arg3227Ter; replaces arginine 3227 with a stop codon.
Molecular consequence: nonsense. On other transcripts: non-coding transcript variant (1).
Genome position (GRCh38, 1-based): chr5:90,720,990, C>T. VCF-style: chr5-90720990-C-T. GRCh37 (hg19) VCF-style: chr5-90016807-C-T.
Other names: short protein forms R3227*.
Identifiers: ClinVar variation 76051 (VCV000076051.8), dbSNP rs267600727, ClinGen allele CA3340572.